The following is an entry in ClinVar:

NM_007294.4(BRCA1):c.1788C>T (p.Leu596=)

Gene: BRCA1 (BRCA1 DNA repair associated; minus strand). Cytogenetic location: 17q21.31.
Variant type: single nucleotide variant.
Coding change: c.1788C>T on transcript NM_007294.4 (MANE Select); coding-DNA position 1788, C replaced by T.
Protein change: p.Leu596=; no amino-acid change (leucine 596 retained).
Molecular consequence: synonymous variant. On other transcripts: intron variant (137).
Genome position (GRCh38, 1-based): chr17:43,093,743, G>A on the plus strand (C>T on the coding strand, the complement: BRCA1 is on the minus strand). VCF-style: chr17-43093743-G-A. GRCh37 (hg19) VCF-style: chr17-41245760-G-A.
Other names: c.784+1001C>T (NM_001408473.1, NM_001408399.1, NM_001407984.1 and 13 more transcripts); c.664+1001C>T (NM_001408443.1, NM_001408439.1, NM_001408425.1 and 12 more transcripts); c.670+2103C>T (NM_001408419.1, NM_001408422.1, NM_001408418.1 and 2 more transcripts); c.787+1001C>T (NM_001408403.1, NM_001407983.1, NM_001407975.1 and 19 more transcripts); c.790+998C>T (NM_001408406.1); c.646+1001C>T (NM_001408456.1, NM_001408410.1, NM_001408458.1 and 11 more transcripts); c.643+1001C>T (NM_001408465.1, NM_001408463.1, NM_001408462.1 and 3 more transcripts); c.577+1001C>T (NM_001408482.1, NM_001408484.1, NM_001408478.1 and 9 more transcripts); and 40 more.
Identifiers: ClinVar variation 427314 (VCV000427314.23), dbSNP rs779253414, ClinGen allele CA057512.

ClinVar aggregate classification (germline): Likely benign. Review status: reviewed by expert panel (3 of 4 stars). 7 submissions from 7 submitters: Likely benign (1). 6 of the submissions do not count toward it. Last evaluated 2017-06-29.

Conditions:
Hereditary breast ovarian cancer syndrome. Also called: Hereditary breast and ovarian cancer syndrome (HBOC); BRCA1- and BRCA2-Associated Hereditary Breast and Ovarian Cancer; Hereditary breast and/or ovarian cancer syndrome; Hereditary breast and ovarian cancer syndrome; Hereditary breast and ovarian cancer; Breast and ovarian cancer. Identifiers: Orphanet 145, MedGen C0677776, MeSH D061325, MONDO:0003582. Disease mechanism: loss of function.
Hereditary cancer-predisposing syndrome. Also called: Neoplastic Syndromes, Hereditary; Hereditary neoplastic syndrome; Tumor predisposition; Hereditary Cancer Syndrome. Identifiers: Orphanet 140162, MedGen C0027672, MeSH D009386, MONDO:0015356.
Breast-ovarian cancer, familial, susceptibility to, 1 (BROVCA1). Also called: BRCA1 Hereditary Breast and Ovarian Cancer; OVARIAN CANCER, SUSCEPTIBILITY TO. Identifiers: Orphanet 145, MedGen C2676676, MONDO:0011450, OMIM 604370. Disease mechanism: loss of function.

Allele frequency attached by ClinVar (database versions not stated): gnomAD exomes below 0.00001 and 0.00001; ExAC 0.00001.
gnomAD v4.1: 5 of 1,613,930 alleles (0.00031%); highest among the groups gnomAD compares: Non-Finnish European, 0.00034%; no homozygotes.

Submissions (7):

Evidence-based Network for the Interpretation of Germline Mutant Alleles (ENIGMA)
Classification: Likely benign for Breast-ovarian cancer, familial, susceptibility to, 1. Last evaluated: 2017-06-29. Review status: reviewed by expert panel. Criteria: ENIGMA BRCA1/2 Classification Criteria (2017-06-29). Collection method: curation. Allele origin: germline.
Comment: Synonymous substitution variant, with low bioinformatic likelihood to result in a splicing aberration (Splicing prior probability 0.02).

Labcorp Genetics (formerly Invitae), Labcorp
Classification: Likely benign for Hereditary breast ovarian cancer syndrome. Last evaluated: 2025-05-05. Review status: criteria provided, single submitter. Criteria: Invitae Variant Classification Sherloc (09022015). Collection method: clinical testing. Allele origin: germline. Not counted in ClinVar's aggregate classification.

Molecular Diagnostics Laboratory, Catalan Institute of Oncology
Classification: Likely benign for Hereditary cancer-predisposing syndrome. Last evaluated: 2024-10-06. Review status: criteria provided, single submitter. Criteria: ClinGen BRCA1BRCA2 ACMG Specifications BRCA1 V1.0.0. Collection method: clinical testing. Allele origin: germline. Not counted in ClinVar's aggregate classification.
Comment: BP1_Strong c.1788C>T, located outside any (potentially) clinically important functional domain of BRCA1, is predicted to result in no splicing alteration (according to SpliceAI) and no amino acid change, p.(Leu596=) (BP1_Strong). This variant is found in 2/267952 alleles at a frequency of 0.0008% in the gnomAD v2.1.1 database, non-cancer dataset. To our knowledge, neither relevant clinical data nor well-stablished functional studies have been reported for this variant. In addition, it has been identified in the ClinVar database (6x likely benign) and BRCA Exchange database (Likely benign: Synonymous substitution variant, with low bioinformatic likelihood to result in a splicing aberration), but it is not present in the LOVD database. Based on the currently available information, c.1788C>T is classified as a likely benign variant according to ClinGen-BRCA1 Guidelines version v1.0.0.

Ambry Genetics
Classification: Likely benign for Hereditary cancer-predisposing syndrome. Last evaluated: 2020-03-23. Review status: criteria provided, single submitter. Criteria: Ambry Variant Classification Scheme 2023. Collection method: clinical testing. Allele origin: germline. Not counted in ClinVar's aggregate classification.

Quest Diagnostics Nichols Institute San Juan Capistrano
Classification: Likely benign. Last evaluated: 2020-01-21. Review status: criteria provided, single submitter. Criteria: Quest Diagnostics criteria. Collection method: clinical testing. Allele origin: unknown. Not counted in ClinVar's aggregate classification.

GeneDx
Classification: Likely benign. Last evaluated: 2018-10-02. Review status: criteria provided, single submitter. Criteria: GeneDx Variant Classification Process June 2021. Collection method: clinical testing. Allele origin: germline. Affected: yes. Not counted in ClinVar's aggregate classification.

Color Diagnostics, LLC DBA Color Health
Classification: Likely benign for Hereditary cancer-predisposing syndrome. Last evaluated: 2017-10-23. Review status: criteria provided, single submitter. Criteria: ACMG Guidelines, 2015. Collection method: clinical testing. Allele origin: germline. Not counted in ClinVar's aggregate classification.